The following is an entry in ClinVar:

NM_014611.3(MDN1):c.9909G>T (p.Leu3303=)

Gene: MDN1 (midasin AAA ATPase 1; minus strand). Cytogenetic location: 6q15.
Variant type: single nucleotide variant.
Coding change: c.9909G>T on transcript NM_014611.3 (MANE Select); coding-DNA position 9909, G replaced by T.
Protein change: p.Leu3303=; no amino-acid change (leucine 3303 retained).
Molecular consequence: synonymous variant.
Genome position (GRCh38, 1-based): chr6:89,693,121, C>A on the plus strand (G>T on the coding strand, the complement: MDN1 is on the minus strand). VCF-style: chr6-89693121-C-A. GRCh37 (hg19) VCF-style: chr6-90402840-C-A.
Identifiers: ClinVar variation 3056376 (VCV003056376.2), dbSNP rs9351212, ClinGen allele CA3923674.

ClinVar aggregate classification (germline): Benign (0 of 4 stars; one submission).

Conditions:
MDN1-related disorder. Also called: MDN1-related condition.

Allele frequency attached by ClinVar (database versions not stated): 1000 Genomes Project 0.11601; 1000 Genomes Project 30x 0.11633.
gnomAD v4.1: 280,408 of 1,603,706 alleles (17%); highest among the groups gnomAD compares: Non-Finnish European, 19%; 26,315 homozygotes.

Submission:

PreventionGenetics, part of Exact Sciences
Classification: Benign for MDN1-related condition. Last evaluated: 2019-11-11. Review status: no assertion criteria provided. Collection method: clinical testing. Allele origin: germline.
Comment: This variant is classified as benign based on ACMG/AMP sequence variant interpretation guidelines (Richards et al. 2015 PMID: 25741868, with internal and published modifications).